The following is an entry in ClinVar:

ClinVar aggregate classification (germline): Uncertain significance (1 of 4 stars; one submission).

Allele frequency attached by ClinVar (database versions not stated): gnomAD exomes below 0.00001 and 0.00001; ExAC 0.00002; TOPMed 0.00005; gnomAD 0.00007; ESP Exome Variant Server 0.00008.
gnomAD v4.1: 12 of 1,613,992 alleles (0.00074%); highest among the groups gnomAD compares: African/African-American, 0.013%; no homozygotes.

Submission:

Labcorp Genetics (formerly Invitae), Labcorp
Classification: Uncertain significance. Last evaluated: 2023-06-13. Review status: criteria provided, single submitter. Criteria: Invitae Variant Classification Sherloc (09022015). Collection method: clinical testing. Allele origin: germline.
Comment: This variant is present in population databases (rs376535434, gnomAD 0.02%). This sequence change replaces aspartic acid, which is acidic and polar, with valine, which is neutral and non-polar, at codon 337 of the IDH3A protein (p.Asp337Val). This variant has not been reported in the literature in individuals affected with IDH3A-related conditions. In summary, the available evidence is currently insufficient to determine the role of this variant in disease. Therefore, it has been classified as a Variant of Uncertain Significance. Algorithms developed to predict the effect of sequence changes on RNA splicing suggest that this variant may create or strengthen a splice site. Advanced modeling of protein sequence and biophysical properties (such as structural, functional, and spatial information, amino acid conservation, physicochemical variation, residue mobility, and thermodynamic stability) performed at Invitae indicates that this missense variant is not expected to disrupt IDH3A protein function. ClinVar contains an entry for this variant (Variation ID: 957298).

NM_005530.3(IDH3A):c.1010A>T (p.Asp337Val)

Gene: IDH3A (isocitrate dehydrogenase (NAD(+)) 3 catalytic subunit alpha; plus strand). Cytogenetic location: 15q25.1.
Variant type: single nucleotide variant.
Coding change: c.1010A>T on transcript NM_005530.3 (MANE Select); coding-DNA position 1010, A replaced by T.
Protein change: p.Asp337Val; replaces aspartic acid 337 with valine.
Molecular consequence: missense variant.
Genome position (GRCh38, 1-based): chr15:78,166,295, A>T. VCF-style: chr15-78166295-A-T. GRCh37 (hg19) VCF-style: chr15-78458637-A-T.
Other names: short protein forms D337V.
Identifiers: ClinVar variation 957298 (VCV000957298.7), dbSNP rs376535434, ClinGen allele CA7680737.